The following is an entry in ClinVar:

ClinVar aggregate classification (germline): Uncertain significance (1 of 4 stars; one submission).

Conditions:
Congenital muscular hypertrophy-cerebral syndrome (CDLS2). Also called: Cornelia de Lange syndrome 2; SMC1A-Related Cornelia de Lange Syndrome. Identifiers: Orphanet 199, MedGen C1802395, MONDO:0010370, OMIM 300590.

Submission:

MGZ Medical Genetics Center
Classification: Uncertain significance for Congenital muscular hypertrophy-cerebral syndrome. Last evaluated: 2022-05-04. Review status: criteria provided, single submitter. Criteria: ACMG Guidelines, 2015. Collection method: clinical testing. Allele origin: germline. Affected: yes. Observed: 1 variant allele.
Comment: ACMG criteria applied: PM2_SUP, PP3

NM_006306.4(SMC1A):c.2555T>C (p.Leu852Pro)

Gene: SMC1A (structural maintenance of chromosomes 1A; minus strand). Cytogenetic location: Xp11.22.
Variant type: single nucleotide variant.
Coding change: c.2555T>C on transcript NM_006306.4 (MANE Select); coding-DNA position 2555, T replaced by C.
Protein change: p.Leu852Pro; replaces leucine 852 with proline.
Molecular consequence: missense variant.
Genome position (GRCh38, 1-based): chrX:53,399,596, A>G on the plus strand (T>C on the coding strand, the complement: SMC1A is on the minus strand). VCF-style: chrX-53399596-A-G. GRCh37 (hg19) VCF-style: chrX-53426518-A-G.
Other names: c.2489T>C, p.Leu830Pro (NM_001281463.1); short protein forms L830P, L852P.
Identifiers: ClinVar variation 1709349 (VCV001709349.2), dbSNP rs2520904353, ClinGen allele CA413250038.
Genomic context (GRCh38, chrX:53,399,596, plus strand): 5'-TCCCATTTTTCCTCCCAGTTATTAGTCTGTCTTTTAATTCTTTCCTTCCTTACCTTTTTG[A>G]GCTTTTCTATCTCATTTTCATCTTTTTTCACTGTCTGCTCCCACATGTGTACTTTATCTT-3'
Protein context (NP_006297.2, residues 842-862): VKKDENEIEK[Leu852Pro]KKEEQRHMKI